The following is an entry in ClinVar:

NM_177438.3(DICER1):c.3481C>A (p.Pro1161Thr)

Gene: DICER1 (dicer 1, ribonuclease III; minus strand). Cytogenetic location: 14q32.13.
Variant type: single nucleotide variant.
Coding change: c.3481C>A on transcript NM_177438.3 (MANE Select); coding-DNA position 3481, C replaced by A.
Protein change: p.Pro1161Thr; replaces proline 1161 with threonine.
Molecular consequence: missense variant.
Genome position (GRCh38, 1-based): chr14:95,103,915, G>T on the plus strand (C>A on the coding strand, the complement: DICER1 is on the minus strand). VCF-style: chr14-95103915-G-T. GRCh37 (hg19) VCF-style: chr14-95570252-G-T.
Other names: c.3481C>A (NM_177438.2); c.3481C>A, p.Pro1161Thr (NM_001195573.1, NM_001271282.3, NM_001291628.2 and 1 more transcripts); short protein forms P1161T.
Identifiers: ClinVar variation 1378419 (VCV001378419.8), dbSNP rs1476564840, ClinGen allele CA390875248.
Genomic context (GRCh38, chr14:95,103,915, plus strand): 5'-TGTAAGAAAGACCATTAATTGCTGTAAGATCTGCTGAAACTTCAACGTGGAGCTTACCAG[G>T]GGACTCGCTGAGCAACGTTCTGCAGTTCACAGACATTTGGTCATGATTTTCTAGAGAGGA-3'
Protein context (NP_803187.1, residues 1151-1171): VNCRTLLSES[Pro1161Thr]GKLHVEVSAD

ClinVar aggregate classification (germline): Uncertain significance. Review status: criteria provided, multiple submitters, no conflicts (2 of 4 stars). 2 submissions from 2 submitters: Uncertain significance (2). Last evaluated 2023-06-04.

Conditions:
DICER1-related tumor predisposition. Also called: DICER1 syndrome; DICER1-related pleuropulmonary blastoma cancer predisposition syndrome. Identifiers: Orphanet 284343, MedGen C3839822, MONDO:0100216.
Hereditary cancer-predisposing syndrome. Also called: Tumor predisposition; Hereditary neoplastic syndrome; Neoplastic Syndromes, Hereditary; Hereditary Cancer Syndrome. Identifiers: Orphanet 140162, MedGen C0027672, MeSH D009386, MONDO:0015356.

Submissions (2):

Labcorp Genetics (formerly Invitae), Labcorp
Classification: Uncertain significance for DICER1-related tumor predisposition. Last evaluated: 2023-06-04. Review status: criteria provided, single submitter. Criteria: Invitae Variant Classification Sherloc (09022015). Collection method: clinical testing. Allele origin: germline.
Comment: In summary, the available evidence is currently insufficient to determine the role of this variant in disease. Therefore, it has been classified as a Variant of Uncertain Significance. Advanced modeling of protein sequence and biophysical properties (such as structural, functional, and spatial information, amino acid conservation, physicochemical variation, residue mobility, and thermodynamic stability) performed at Invitae indicates that this missense variant is not expected to disrupt DICER1 protein function. ClinVar contains an entry for this variant (Variation ID: 1378419). This variant has not been reported in the literature in individuals affected with DICER1-related conditions. This variant is not present in population databases (gnomAD no frequency). This sequence change replaces proline, which is neutral and non-polar, with threonine, which is neutral and polar, at codon 1161 of the DICER1 protein (p.Pro1161Thr).

Ambry Genetics
Classification: Uncertain significance for Hereditary cancer-predisposing syndrome. Last evaluated: 2022-11-15. Review status: criteria provided, single submitter. Criteria: Ambry Variant Classification Scheme 2023. Collection method: clinical testing. Allele origin: germline.
Comment: The p.P1161T variant (also known as c.3481C>A), located in coding exon 20 of the DICER1 gene, results from a C to A substitution at nucleotide position 3481. The proline at codon 1161 is replaced by threonine, an amino acid with highly similar properties. This amino acid position is conserved. In addition, the in silico prediction for this alteration is inconclusive. Since supporting evidence is limited at this time, the clinical significance of this alteration remains unclear.